The following is an entry in ClinVar:

NM_182961.4(SYNE1):c.17063C>A (p.Ala5688Glu)

Genes: SYNE1 (spectrin repeat containing nuclear envelope protein 1; minus strand), LOC126859837 (BRD4-independent group 4 enhancer GRCh37_chr6:152630775-152631974; plus strand). Cytogenetic location: 6q25.2.
Variant type: single nucleotide variant.
Coding change: c.17063C>A on transcript NM_182961.4 (MANE Select); coding-DNA position 17063, C replaced by A.
Protein change: p.Ala5688Glu; replaces alanine 5688 with glutamic acid.
Molecular consequence: missense variant.
Genome position (GRCh38, 1-based): chr6:152,309,974, G>T on the plus strand (C>A on the coding strand, the complement: SYNE1 is on the minus strand). VCF-style: chr6-152309974-G-T. GRCh37 (hg19) VCF-style: chr6-152631109-G-T.
Other names: c.16850C>A, p.Ala5617Glu (NM_033071.5); short protein forms A5617E, A5688E.
Identifiers: ClinVar variation 2191144 (VCV002191144.4), dbSNP rs1175808365, ClinGen allele CA366107089.

ClinVar aggregate classification (germline): Uncertain significance (1 of 4 stars; one submission).

Conditions:
Emery-Dreifuss muscular dystrophy 4, autosomal dominant (EDMD4). Also called: EMERY-DREIFUSS MUSCULAR DYSTROPHY 4 WITH VARIABLE FEATURES. Identifiers: Orphanet 261, MedGen C2751807, MONDO:0013071, OMIM 612998.
Autosomal recessive ataxia, Beauce type. Also called: Spinocerebellar ataxia, autosomal recessive 8; ATAXIA, RECESSIVE, OF BEAUCE; SYNE1-Related Autosomal Recessive Cerebellar Ataxia; SYNE1 Deficiency. Identifiers: Orphanet 88644, MedGen C1853116, MONDO:0012549, OMIM 610743.

Allele frequency attached by ClinVar (database versions not stated): gnomAD 0.00001; TOPMed 0.00001.
gnomAD v4.1: 4 of 1,613,972 alleles (0.00025%); highest among the groups gnomAD compares: Admixed American, 0.0067%; no homozygotes.

Submission:

Labcorp Genetics (formerly Invitae), Labcorp
Classification: Uncertain significance for Emery-Dreifuss muscular dystrophy 4, autosomal dominant; Autosomal recessive ataxia, Beauce type. Last evaluated: 2022-07-15. Review status: criteria provided, single submitter. Criteria: Invitae Variant Classification Sherloc (09022015). Collection method: clinical testing. Allele origin: germline.
Comment: This sequence change replaces alanine, which is neutral and non-polar, with glutamic acid, which is acidic and polar, at codon 5617 of the SYNE1 protein (p.Ala5617Glu). This variant is present in population databases (no rsID available, gnomAD 0.006%). This variant has not been reported in the literature in individuals affected with SYNE1-related conditions. Algorithms developed to predict the effect of missense changes on protein structure and function (SIFT, PolyPhen-2, Align-GVGD) all suggest that this variant is likely to be disruptive. In summary, the available evidence is currently insufficient to determine the role of this variant in disease. Therefore, it has been classified as a Variant of Uncertain Significance.